The following is an entry in ClinVar:

NM_001134831.2(AHI1):c.1693C>T (p.Arg565Cys)

Gene: AHI1 (Abelson helper integration site 1; minus strand). Cytogenetic location: 6q23.3.
Variant type: single nucleotide variant.
Coding change: c.1693C>T on transcript NM_001134831.2 (MANE Select); coding-DNA position 1693, C replaced by T.
Protein change: p.Arg565Cys; replaces arginine 565 with cysteine.
Molecular consequence: missense variant.
Genome position (GRCh38, 1-based): chr6:135,447,094, G>A on the plus strand (C>T on the coding strand, the complement: AHI1 is on the minus strand). VCF-style: chr6-135447094-G-A. GRCh37 (hg19) VCF-style: chr6-135768232-G-A.
Other names: c.1693C>T, p.Arg565Cys (NM_001134830.2, NM_001134832.2, NM_001350503.2 and 2 more transcripts); short protein forms R565C.
Identifiers: ClinVar variation 241183 (VCV000241183.13), dbSNP rs763970632, ClinGen allele CA4012543.

ClinVar aggregate classification (germline): Uncertain significance. Review status: criteria provided, multiple submitters, no conflicts (2 of 4 stars). 5 submissions from 5 submitters: Uncertain significance (5). Last evaluated 2025-10-14.

Conditions:
Inborn genetic diseases. Identifiers: MedGen C0950123, MeSH D030342.
Joubert syndrome 3 (JBTS3). Also called: AHI1-related Ciliopathy. Identifiers: Orphanet 220493, MedGen C1837713, MONDO:0012078, OMIM 608629.
Joubert syndrome. Also called: Familial aplasia of the vermis; JOUBERT-BOLTSHAUSER SYNDROME. Identifiers: Orphanet 475, MedGen C5979921, MONDO:0018772.

Allele frequency attached by ClinVar (database versions not stated): gnomAD exomes 0.00001; ExAC 0.00002; gnomAD 0.00002; TOPMed 0.00003; 1000 Genomes Project 30x 0.00016.
gnomAD v4.1: 29 of 1,612,740 alleles (0.0018%); highest among the groups gnomAD compares: Non-Finnish European, 0.0021%; no homozygotes.

Submissions (5):

Ambry Genetics
Classification: Uncertain significance for Inborn genetic diseases. Last evaluated: 2025-10-14. Review status: criteria provided, single submitter. Criteria: Ambry Variant Classification Scheme 2023. Collection method: clinical testing. Allele origin: germline.

Labcorp Genetics (formerly Invitae), Labcorp
Classification: Uncertain significance for Joubert syndrome. Last evaluated: 2022-07-05. Review status: criteria provided, single submitter. Criteria: Invitae Variant Classification Sherloc (09022015). Collection method: clinical testing. Allele origin: germline.
Comment: This sequence change replaces arginine, which is basic and polar, with cysteine, which is neutral and slightly polar, at codon 565 of the AHI1 protein (p.Arg565Cys). This variant is present in population databases (rs763970632, gnomAD 0.003%). This variant has not been reported in the literature in individuals affected with AHI1-related conditions. ClinVar contains an entry for this variant (Variation ID: 241183). Advanced modeling of protein sequence and biophysical properties (such as structural, functional, and spatial information, amino acid conservation, physicochemical variation, residue mobility, and thermodynamic stability) performed at Invitae indicates that this missense variant is not expected to disrupt AHI1 protein function. Algorithms developed to predict the effect of sequence changes on RNA splicing suggest that this variant may disrupt the consensus splice site. In summary, the available evidence is currently insufficient to determine the role of this variant in disease. Therefore, it has been classified as a Variant of Uncertain Significance.

Blueprint Genetics
Classification: Uncertain significance. Last evaluated: 2022-07-01. Review status: criteria provided, single submitter. Criteria: ACMG Guidelines, 2015. Collection method: clinical testing. Allele origin: germline.

Fulgent Genetics
Classification: Uncertain significance for Joubert syndrome 3. Last evaluated: 2022-04-19. Review status: criteria provided, single submitter. Criteria: ACMG Guidelines, 2015. Collection method: clinical testing. Allele origin: unknown.

GeneDx
Classification: Uncertain significance. Last evaluated: 2022-04-11. Review status: criteria provided, single submitter. Criteria: GeneDx Variant Classification Process June 2021. Collection method: clinical testing. Allele origin: germline. Affected: yes.
Comment: Not observed at significant frequency in large population cohorts (gnomAD); In silico analysis supports that this missense variant does not alter protein structure/function; Has not been previously published as pathogenic or benign to our knowledge